The following is an entry in ClinVar:

NM_005502.4(ABCA1):c.2283C>T (p.Tyr761=)

Gene: ABCA1 (ATP binding cassette subfamily A member 1; minus strand). Cytogenetic location: 9q31.1.
Variant type: single nucleotide variant.
Coding change: c.2283C>T on transcript NM_005502.4 (MANE Select); coding-DNA position 2283, C replaced by T.
Protein change: p.Tyr761=; no amino-acid change (tyrosine 761 retained).
Molecular consequence: synonymous variant.
Genome position (GRCh38, 1-based): chr9:104,827,002, G>A on the plus strand (C>T on the coding strand, the complement: ABCA1 is on the minus strand). VCF-style: chr9-104827002-G-A. GRCh37 (hg19) VCF-style: chr9-107589283-G-A.
Identifiers: ClinVar variation 364434 (VCV000364434.16), dbSNP rs201076284, ClinGen allele CA5168773.

ClinVar aggregate classification (germline): Conflicting classifications of pathogenicity. Review status: criteria provided, conflicting classifications (1 of 4 stars). 6 submissions from 5 submitters: Uncertain significance (1); Likely benign (5). Last evaluated 2026-08-01.

Conditions:
Cardiovascular phenotype. Identifiers: MedGen CN230736.
Tangier disease (TGD). Also called: Cholesterol thesaurismosis; HIGH DENSITY LIPOPROTEIN DEFICIENCY, TANGIER TYPE; HIGH DENSITY LIPOPROTEIN DEFICIENCY, TYPE 1. Identifiers: Orphanet 31150, MedGen C0039292, MONDO:0008783, OMIM 205400.
Hypoalphalipoproteinemia, primary, 1. Identifiers: Orphanet 425, MedGen C5231558, MONDO:0011393, OMIM 604091.

Allele frequency attached by ClinVar (database versions not stated): gnomAD exomes 0.00006 and 0.00008; gnomAD 0.00008 and 0.00009; TOPMed 0.00008; ExAC 0.00009; ESP Exome Variant Server 0.00015; 1000 Genomes Project 30x 0.00047; 1000 Genomes Project 0.00060.
gnomAD v4.1: 126 of 1,614,196 alleles (0.0078%); highest among the groups gnomAD compares: Middle Eastern, 0.033%; no homozygotes.

Submissions (6):

CeGaT Center for Human Genetics Tuebingen
Classification: Likely benign. Last evaluated: 2026-08-01. Review status: criteria provided, single submitter. Criteria: CeGaT Center For Human Genetics Tuebingen Variant Classification Criteria Version 2. Collection method: clinical testing. Allele origin: germline. Affected: yes. Observed: 1 variant allele.
Comment: ABCA1: BP4, BP7

Labcorp Genetics (formerly Invitae), Labcorp
Classification: Likely benign. Last evaluated: 2025-12-25. Review status: criteria provided, single submitter. Criteria: Invitae Variant Classification Sherloc (09022015). Collection method: clinical testing. Allele origin: germline.

Blueprint Genetics
Classification: Likely benign. Last evaluated: 2024-06-24. Review status: criteria provided, single submitter. Criteria: ACMG Guidelines, 2015. Collection method: clinical testing. Allele origin: germline.

Ambry Genetics
Classification: Likely benign for Cardiovascular phenotype. Last evaluated: 2020-06-09. Review status: criteria provided, single submitter. Criteria: Ambry Variant Classification Scheme 2023. Collection method: clinical testing. Allele origin: germline.

Illumina Laboratory Services, Illumina
Classification: Likely benign for Hypoalphalipoproteinemia, primary, 1. Last evaluated: 2018-01-12. Review status: criteria provided, single submitter. Criteria: ICSL Variant Classification Criteria 13 December 2019. Collection method: clinical testing. Allele origin: germline.
Comment: This variant was observed in the ICSL laboratory as part of a predisposition screen in an ostensibly healthy population. It had not been previously curated by ICSL or reported in the Human Gene Mutation Database (HGMD: prior to June 1st, 2018), and was therefore a candidate for classification through an automated scoring system. Utilizing variant allele frequency, disease prevalence and penetrance estimates, and inheritance mode, an automated score was calculated to assess if this variant is too frequent to cause the disease. Based on the score and internal cut-off values, a variant classified as likely benign is not then subjected to further curation. The score for this variant resulted in a classification of likely benign for this disease.

Illumina Laboratory Services, Illumina
Classification: Uncertain significance for Tangier disease. Last evaluated: 2018-01-12. Review status: criteria provided, single submitter. Criteria: ICSL Variant Classification Criteria 13 December 2019. Collection method: clinical testing. Allele origin: germline.